The following is an entry in ClinVar:

ClinVar aggregate classification (germline): Pathogenic (1 of 4 stars; one submission).

Conditions:
Familial infantile myasthenia (CMS6). Also called: MYASTHENIC SYNDROME, CONGENITAL, 6, PRESYNAPTIC; MYASTHENIC SYNDROME, PRESYNAPTIC, CONGENITAL, ASSOCIATED WITH EPISODIC APNEA; Congenital myasthenic syndrome type 6. Identifiers: Orphanet 590, MedGen C0393929, MONDO:0009689, OMIM 254210.

Submission:

Labcorp Genetics (formerly Invitae), Labcorp
Classification: Pathogenic for Familial infantile myasthenia. Last evaluated: 2023-06-25. Review status: criteria provided, single submitter. Criteria: Invitae Variant Classification Sherloc (09022015). Collection method: clinical testing. Allele origin: germline.
Comment: For these reasons, this variant has been classified as Pathogenic. This variant has not been reported in the literature in individuals affected with CHAT-related conditions. This variant is not present in population databases (gnomAD no frequency). This sequence change creates a premature translational stop signal (p.Arg207Alafs*12) in the CHAT gene. It is expected to result in an absent or disrupted protein product. Loss-of-function variants in CHAT are known to be pathogenic (PMID: 12548525, 21786365, 23292760).

Literature cited by the submitters: PubMed 12548525; PubMed 21786365; PubMed 23292760.

NM_020549.5(CHAT):c.619del (p.Arg207fs)

Gene: CHAT (choline O-acetyltransferase; plus strand). Cytogenetic location: 10q11.23.
Variant type: Deletion.
Coding change: c.619del on transcript NM_020549.5 (MANE Select); coding-DNA position 619, one base deleted (C; older notation c.619delC).
Protein change: p.Arg207fs; shifts the reading frame from arginine 207.
Molecular consequence: frameshift variant.
Genome position (GRCh38, 1-based): chr10:49,620,534, C deleted; the last of 2 consecutive C bases (chr10:49,620,533-49,620,534); deleting either gives the same sequence. VCF-style (leftmost placement, unchanged base first): chr10-49620532-AC-A. GRCh37 (hg19) VCF-style: chr10-50828578-AC-A.
Other names: c.265del, p.Arg89fs (NM_001142929.2, NM_001142934.2, NM_020984.4 and 2 more transcripts); c.373del, p.Arg125fs (NM_001142933.2); short protein forms R207fs, R89fs, R125fs.
Identifiers: ClinVar variation 2728783 (VCV002728783.3), dbSNP rs2496323932, ClinGen allele CA2697558329.